The following is an entry in ClinVar:

NM_001020658.2(PUM1):c.104C>A (p.Pro35His)

Gene: PUM1 (pumilio RNA binding family member 1; minus strand). Cytogenetic location: 1p35.2.
Variant type: single nucleotide variant.
Coding change: c.104C>A on transcript NM_001020658.2 (MANE Select); coding-DNA position 104, C replaced by A.
Protein change: p.Pro35His; replaces proline 35 with histidine.
Molecular consequence: missense variant.
Genome position (GRCh38, 1-based): chr1:31,059,463, G>T on the plus strand (C>A on the coding strand, the complement: PUM1 is on the minus strand). VCF-style: chr1-31059463-G-T. GRCh37 (hg19) VCF-style: chr1-31532310-G-T.
Other names: c.104C>A, p.Pro35His (NM_014676.3); short protein forms P35H.
Identifiers: ClinVar variation 4087808 (VCV004087808.1).

ClinVar aggregate classification (germline): Uncertain significance (1 of 4 stars; one submission).

Submission:

GeneDx
Classification: Uncertain significance. Last evaluated: 2025-03-25. Review status: criteria provided, single submitter. Criteria: GeneDx Variant Classification Process June 2021. Collection method: clinical testing. Allele origin: germline. Affected: yes.
Comment: Not observed at significant frequency in large population cohorts (gnomAD); In silico analysis supports that this missense variant has a deleterious effect on protein structure/function; Has not been previously published as pathogenic or benign to our knowledge